The following is an entry in ClinVar:

NM_144670.6(A2ML1):c.1349G>A (p.Arg450His)

Gene: A2ML1 (alpha-2-macroglobulin like 1; plus strand). Cytogenetic location: 12p13.31.
Variant type: single nucleotide variant.
Coding change: c.1349G>A on transcript NM_144670.6 (MANE Select); coding-DNA position 1349, G replaced by A.
Protein change: p.Arg450His; replaces arginine 450 with histidine.
Molecular consequence: missense variant.
Genome position (GRCh38, 1-based): chr12:8,843,234, G>A. VCF-style: chr12-8843234-G-A. GRCh37 (hg19) VCF-style: chr12-8995830-G-A.
Other names: short protein forms R450H.
Identifiers: ClinVar variation 2179589 (VCV002179589.4), dbSNP rs776868144, ClinGen allele CA6435629.

ClinVar aggregate classification (germline): Uncertain significance (1 of 4 stars; one submission).

Allele frequency attached by ClinVar (database versions not stated): ExAC 0.00001; gnomAD 0.00001; TOPMed 0.00001; gnomAD exomes 0.00009.
gnomAD v4.1: 123 of 1,613,984 alleles (0.0076%); highest among the groups gnomAD compares: Middle Eastern, 0.016%; no homozygotes.

Submission:

Labcorp Genetics (formerly Invitae), Labcorp
Classification: Uncertain significance. Last evaluated: 2026-01-06. Review status: criteria provided, single submitter. Criteria: Invitae Variant Classification Sherloc (09022015). Collection method: clinical testing. Allele origin: germline.
Comment: This sequence change replaces arginine, which is basic and polar, with histidine, which is basic and polar, at codon 450 of the A2ML1 protein (p.Arg450His). This variant is present in population databases (rs776868144, gnomAD 0.003%). This variant has not been reported in the literature in individuals affected with A2ML1-related conditions. ClinVar contains an entry for this variant (Variation ID: 2179589). An algorithm developed to predict the effect of missense changes on protein structure and function outputs the following: PolyPhen-2: "Benign". The histidine amino acid residue is found in multiple mammalian species, which suggests that this missense change does not adversely affect protein function. In summary, the available evidence is currently insufficient to determine the role of this variant in disease. Therefore, it has been classified as a Variant of Uncertain Significance.